The following is an entry in ClinVar:

NM_004341.5(CAD):c.2936_2939del (p.Val979fs)

Gene: CAD (carbamoyl-phosphate synthetase 2, aspartate transcarbamylase, and dihydroorotase; plus strand). Cytogenetic location: 2p23.3.
Variant type: Deletion.
Coding change: c.2936_2939del on transcript NM_004341.5 (MANE Select); coding-DNA positions 2936 to 2939, 4 bases deleted (TCAG; older notation c.2936_2939delTCAG).
Protein change: p.Val979fs; shifts the reading frame from valine 979.
Molecular consequence: frameshift variant.
Genome position (GRCh38, 1-based): chr2:27,233,085-27,233,088, TCAG deleted; deleting any 4 consecutive bases within chr2:27,233,082-27,233,088 gives the same sequence; the c. name uses the placement nearest the transcript's 3' end. VCF-style (leftmost placement, unchanged base first): chr2-27233081-ACAGT-A. GRCh37 (hg19) VCF-style: chr2-27455949-ACAGT-A.
Other names: c.2747_2750del, p.Val916fs (NM_001306079.2); short protein forms V979fs, V916fs.
Identifiers: ClinVar variation 2807541 (VCV002807541.3), dbSNP rs2465328759, ClinGen allele CA2739274182.

ClinVar aggregate classification (germline): Pathogenic (1 of 4 stars; one submission).

Submission:

Labcorp Genetics (formerly Invitae), Labcorp
Classification: Pathogenic. Last evaluated: 2022-12-20. Review status: criteria provided, single submitter. Criteria: Invitae Variant Classification Sherloc (09022015). Collection method: clinical testing. Allele origin: germline.
Comment: This sequence change creates a premature translational stop signal (p.Val979Alafs*20) in the CAD gene. It is expected to result in an absent or disrupted protein product. Loss-of-function variants in CAD are known to be pathogenic (PMID: 28007989, 32117025, 32820246, 33497533). For these reasons, this variant has been classified as Pathogenic. This variant has not been reported in the literature in individuals affected with CAD-related conditions. This variant is not present in population databases (gnomAD no frequency).

Literature cited by the submitters: PubMed 28007989; PubMed 32117025; PubMed 32820246; PubMed 33497533.